The following is an entry in ClinVar:

NM_153676.4(USH1C):c.547C>T (p.Gln183Ter)

Gene: USH1C (USH1 protein network component harmonin; minus strand). Cytogenetic location: 11p15.1.
Variant type: single nucleotide variant.
Coding change: c.547C>T on transcript NM_153676.4 (MANE Select); coding-DNA position 547, C replaced by T.
Protein change: p.Gln183Ter; replaces glutamine 183 with a stop codon.
Molecular consequence: nonsense. On other transcripts: non-coding transcript variant (1).
Genome position (GRCh38, 1-based): chr11:17,526,785, G>A on the plus strand (C>T on the coding strand, the complement: USH1C is on the minus strand). VCF-style: chr11-17526785-G-A. GRCh37 (hg19) VCF-style: chr11-17548332-G-A.
Other names: c.547C>T, p.Gln183Ter (NM_001297764.2, NM_005709.4); short protein forms Q183*.
Identifiers: ClinVar variation 2711187 (VCV002711187.3), dbSNP rs2497187041, ClinGen allele CA379794389.

ClinVar aggregate classification (germline): Pathogenic (1 of 4 stars; one submission).

Allele frequency attached by ClinVar (database versions not stated): gnomAD exomes below 0.00001.
gnomAD v4.1: 1 of 1,614,154 alleles (0.000062%); highest among the groups gnomAD compares: Non-Finnish European, 0.000085%; no homozygotes.

Submission:

Labcorp Genetics (formerly Invitae), Labcorp
Classification: Pathogenic. Last evaluated: 2024-01-25. Review status: criteria provided, single submitter. Criteria: Invitae Variant Classification Sherloc (09022015). Collection method: clinical testing. Allele origin: germline.
Comment: This sequence change creates a premature translational stop signal (p.Gln183*) in the USH1C gene. It is expected to result in an absent or disrupted protein product. Loss-of-function variants in USH1C are known to be pathogenic (PMID: 10973247, 17407589, 20301442, 21203349). This variant is not present in population databases (gnomAD no frequency). This variant has not been reported in the literature in individuals affected with USH1C-related conditions. Algorithms developed to predict the effect of sequence changes on RNA splicing suggest that this variant may disrupt the consensus splice site. For these reasons, this variant has been classified as Pathogenic.

Literature cited by the submitters: PubMed 10973247; PubMed 17407589; PubMed 20301442; PubMed 21203349.